The following is an entry in ClinVar:

NM_000170.3(GLDC):c.551G>A (p.Cys184Tyr)

Gene: GLDC (glycine decarboxylase; minus strand). Cytogenetic location: 9p24.1.
Variant type: single nucleotide variant.
Coding change: c.551G>A on transcript NM_000170.3 (MANE Select); coding-DNA position 551, G replaced by A.
Protein change: p.Cys184Tyr; replaces cysteine 184 with tyrosine.
Molecular consequence: missense variant.
Genome position (GRCh38, 1-based): chr9:6,610,276, C>T on the plus strand (G>A on the coding strand, the complement: GLDC is on the minus strand). VCF-style: chr9-6610276-C-T. GRCh37 (hg19) VCF-style: chr9-6610276-C-T.
Other names: short protein forms C184Y.
Identifiers: ClinVar variation 1362394 (VCV001362394.8), dbSNP rs1263123723, ClinGen allele CA372898387.

ClinVar aggregate classification (germline): Uncertain significance (1 of 4 stars; one submission).

Conditions:
Glycine encephalopathy. Also called: Nonketotic hyperglycinemia; Non-ketotic hyperglycinemia. Identifiers: Orphanet 407, MedGen C0751748, MONDO:0011612, HP:0008288.

Submission:

Labcorp Genetics (formerly Invitae), Labcorp
Classification: Uncertain significance for Glycine encephalopathy. Last evaluated: 2021-02-15. Review status: criteria provided, single submitter. Criteria: Invitae Variant Classification Sherloc (09022015). Collection method: clinical testing. Allele origin: germline.
Comment: In summary, the available evidence is currently insufficient to determine the role of this variant in disease. Therefore, it has been classified as a Variant of Uncertain Significance. Algorithms developed to predict the effect of missense changes on protein structure and function are either unavailable or do not agree on the potential impact of this missense change (SIFT: "Deleterious"; PolyPhen-2: "Possibly Damaging"; Align-GVGD: "Class C0"). This variant has not been reported in the literature in individuals with GLDC-related conditions. This variant is not present in population databases (ExAC no frequency). This sequence change replaces cysteine with tyrosine at codon 184 of the GLDC protein (p.Cys184Tyr). The cysteine residue is moderately conserved and there is a large physicochemical difference between cysteine and tyrosine.